The following is an entry in ClinVar:

NM_005787.6(ALG3):c.29_45dup (p.Gln16fs)

Gene: ALG3 (ALG3 alpha-1,3- mannosyltransferase; minus strand). Cytogenetic location: 3q27.1.
Variant type: Duplication.
Coding change: c.29_45dup on transcript NM_005787.6 (MANE Select); coding-DNA positions 29 to 45, 17 bases duplicated (GGTCCGGTTCCGCGGCC).
Protein change: p.Gln16fs; shifts the reading frame from glutamine 16.
Molecular consequence: frameshift variant. On other transcripts: non-coding transcript variant (2), intron variant (1).
Genome position (GRCh38, 1-based): chr3:184,248,896-184,248,912, GGCCGCGGAACCGGACC duplicated on the plus strand (GGTCCGGTTCCGCGGCC on the coding strand, the reverse complement: ALG3 is on the minus strand); duplicating any 17 consecutive bases within chr3:184,248,896-184,248,919 gives the same sequence; the c. name uses the placement nearest the transcript's 3' end. VCF-style (leftmost placement, unchanged base first): chr3-184248895-G-GGGCCGCGGAACCGGACC. GRCh37 (hg19) VCF-style: chr3-183966683-G-GGGCCGCGGAACCGGACC.
Other names: c.-47_-31dup (NM_001006942.1); c.52+314_52+330dup (NM_001006941.2); short protein forms Q16fs.
Identifiers: ClinVar variation 2741374 (VCV002741374.3), dbSNP rs2473859485, ClinGen allele CA2697557017.

ClinVar aggregate classification (germline): Pathogenic (1 of 4 stars; one submission).

Conditions:
ALG3-congenital disorder of glycosylation. Also called: CARBOHYDRATE-DEFICIENT GLYCOPROTEIN SYNDROME, TYPE IV; CDGS, TYPE IV; ALG3-CDG; CONGENITAL DISORDER OF GLYCOSYLATION, TYPE Id; CDG Id. Identifiers: Orphanet 79321, MedGen C1832736, MONDO:0010998, OMIM 601110.

Submission:

Labcorp Genetics (formerly Invitae), Labcorp
Classification: Pathogenic for ALG3-congenital disorder of glycosylation. Last evaluated: 2024-04-29. Review status: criteria provided, single submitter. Criteria: Invitae Variant Classification Sherloc (09022015). Collection method: clinical testing. Allele origin: germline.
Comment: This sequence change creates a premature translational stop signal (p.Gln16Glyfs*69) in the ALG3 gene. It is expected to result in an absent or disrupted protein product. Loss-of-function variants in ALG3 are known to be pathogenic (PMID: 34090370, 33583022). This variant is not present in population databases (gnomAD no frequency). This variant has not been reported in the literature in individuals affected with ALG3-related conditions. For these reasons, this variant has been classified as Pathogenic.

Literature cited by the submitters: PubMed 34090370; PubMed 33583022.